The following is an entry in ClinVar:

NM_000051.4(ATM):c.7224G>A (p.Ser2408=)

Genes: ATM (ATM serine/threonine kinase; plus strand), C11orf65 (chromosome 11 open reading frame 65; minus strand). Cytogenetic location: 11q22.3.
Variant type: single nucleotide variant.
Coding change: c.7224G>A on transcript NM_000051.4 (MANE Select); coding-DNA position 7224, G replaced by A.
Protein change: p.Ser2408=; no amino-acid change (serine 2408 retained).
Molecular consequence: synonymous variant. On other transcripts: intron variant (2).
Genome position (GRCh38, 1-based): chr11:108,329,155, G>A. VCF-style: chr11-108329155-G-A. GRCh37 (hg19) VCF-style: chr11-108199882-G-A.
Other names: c.7224G>A, p.Ser2408= (NM_001351834.2); c.641-20084C>T (NM_001330368.2); c.*38+6065C>T (NM_001351110.2).
Identifiers: ClinVar variation 215593 (VCV000215593.26), dbSNP rs145747513, ClinGen allele CA338355.

ClinVar aggregate classification (germline): Benign/Likely benign. Review status: criteria provided, multiple submitters, no conflicts (2 of 4 stars). 11 submissions from 11 submitters: Benign (4); Likely benign (6). 1 of the submissions does not count toward it. Last evaluated 2026-01-15.

Conditions:
ATM-related disorder. Also called: ATM-related disorders; ATM-related condition.
Hereditary cancer-predisposing syndrome. Also called: Neoplastic Syndromes, Hereditary; Hereditary neoplastic syndrome; Tumor predisposition; Hereditary Cancer Syndrome. Identifiers: Orphanet 140162, MedGen C0027672, MeSH D009386, MONDO:0015356.
Ataxia-telangiectasia syndrome (AT). Also called: Ataxia telangiectasia (A-T); Cerebello-oculocutaneous telangiectasia; Immunodeficiency with ataxia telangiectasia; LOUIS-BAR SYNDROME; AT, COMPLEMENTATION GROUP C; ATAXIA-TELANGIECTASIA, FRESNO VARIANT. Identifiers: Orphanet 100, MedGen C0004135, MONDO:0008840, OMIM 208900.
Familial cancer of breast. Also called: hereditary breast carcinoma; Hereditary breast cancer; BREAST CANCER, FAMILIAL. Identifiers: Orphanet 227535, MedGen C0346153, MONDO:0016419, OMIM 114480. Disease mechanism: loss of function.

Allele frequency attached by ClinVar (database versions not stated): gnomAD exomes 0.00007 and 0.00002; gnomAD 0.00016; 1000 Genomes Project 30x 0.00016; 1000 Genomes Project 0.00020; ExAC 0.00007; TOPMed 0.00013; ESP Exome Variant Server 0.00015.
gnomAD v4.1: 47 of 1,614,008 alleles (0.0029%); highest among the groups gnomAD compares: African/African-American, 0.056%; no homozygotes.

Submissions (11):

Labcorp Genetics (formerly Invitae), Labcorp
Classification: Likely benign for Ataxia-telangiectasia syndrome. Last evaluated: 2026-01-15. Review status: criteria provided, single submitter. Criteria: Invitae Variant Classification Sherloc (09022015). Collection method: clinical testing. Allele origin: germline.

Center for Genomic Medicine, Rigshospitalet, Copenhagen University Hospital
Classification: Likely benign. Last evaluated: 2025-03-04. Review status: criteria provided, single submitter. Criteria: ACMG Guidelines, 2015. Collection method: clinical testing. Allele origin: germline.

Myriad Genetics, Inc.
Classification: Benign for Familial cancer of breast. Last evaluated: 2024-06-13. Review status: criteria provided, single submitter. Criteria: Myriad Autosomal Dominant, Autosomal Recessive and X-Linked Classification Criteria (2023). Collection method: clinical testing. Allele origin: unknown.
Comment: This variant is considered benign. This variant is a silent/synonymous amino acid change and it is not expected to impact splicing.

Sema4
Classification: Likely benign for Hereditary cancer-predisposing syndrome. Last evaluated: 2020-12-11. Review status: criteria provided, single submitter. Criteria: Sema4 Curation Guidelines. Collection method: curation. Allele origin: germline.

Women's Health and Genetics/Laboratory Corporation of America, LabCorp
Classification: Likely benign. Last evaluated: 2020-01-31. Review status: criteria provided, single submitter. Criteria: LabCorp Variant Classification Summary - May 2015. Collection method: clinical testing. Allele origin: germline.

Athena Diagnostics
Classification: Benign. Last evaluated: 2018-06-20. Review status: criteria provided, single submitter. Criteria: Athena Diagnostics Criteria. Collection method: clinical testing. Allele origin: germline.

Quest Diagnostics Nichols Institute San Juan Capistrano
Classification: Benign. Last evaluated: 2018-06-20. Review status: criteria provided, single submitter. Criteria: Quest Diagnostics criteria. Collection method: clinical testing. Allele origin: unknown.

Color Diagnostics, LLC DBA Color Health
Classification: Likely benign for Hereditary cancer-predisposing syndrome. Last evaluated: 2015-12-10. Review status: criteria provided, single submitter. Criteria: ACMG Guidelines, 2015. Collection method: clinical testing. Allele origin: germline.

GeneDx
Classification: Benign. Last evaluated: 2015-04-29. Review status: criteria provided, single submitter. Criteria: GeneDx Variant Classification (06012015). Collection method: clinical testing. Allele origin: germline. Affected: yes.
Comment: This variant is considered likely benign or benign based on one or more of the following criteria: it is a conservative change, it occurs at a poorly conserved position in the protein, it is predicted to be benign by multiple in silico algorithms, and/or has population frequency not consistent with disease.

Ambry Genetics
Classification: Likely benign for Hereditary cancer-predisposing syndrome. Last evaluated: 2015-01-03. Review status: criteria provided, single submitter. Criteria: Ambry Variant Classification Scheme 2023. Collection method: clinical testing. Allele origin: germline.

PreventionGenetics, part of Exact Sciences
Classification: Likely benign for ATM-related condition. Last evaluated: 2019-11-22. Review status: no assertion criteria provided. Collection method: clinical testing. Allele origin: germline. Not counted in ClinVar's aggregate classification.
Comment: This variant is classified as likely benign based on ACMG/AMP sequence variant interpretation guidelines (Richards et al. 2015 PMID: 25741868, with internal and published modifications).